The following is an entry in ClinVar:

ClinVar aggregate classification (germline): Benign/Likely benign. Review status: criteria provided, multiple submitters, no conflicts (2 of 4 stars). 3 submissions from 3 submitters: Benign (1); Likely benign (2). Last evaluated 2025-10-10.

Conditions:
Pyogenic arthritis-pyoderma gangrenosum-acne syndrome (PAPA). Also called: PAPA SYNDROME; FAMILIAL RECURRENT ARTHRITIS. Identifiers: Orphanet 69126, MedGen C1858361, MONDO:0011462, OMIM 604416.

Submissions (3):

Labcorp Genetics (formerly Invitae), Labcorp
Classification: Benign for Pyogenic arthritis-pyoderma gangrenosum-acne syndrome. Last evaluated: 2025-10-10. Review status: criteria provided, single submitter. Criteria: Invitae Variant Classification Sherloc (09022015). Collection method: clinical testing. Allele origin: germline.

Blueprint Genetics
Classification: Likely benign. Last evaluated: 2024-11-04. Review status: criteria provided, single submitter. Criteria: ACMG Guidelines, 2015. Collection method: clinical testing. Allele origin: germline.

GeneDx
Classification: Likely benign. Last evaluated: 2017-04-24. Review status: criteria provided, single submitter. Criteria: GeneDx Variant Classification (06012015). Collection method: clinical testing. Allele origin: germline. Affected: yes.
Comment: This variant is considered likely benign or benign based on one or more of the following criteria: it is a conservative change, it occurs at a poorly conserved position in the protein, it is predicted to be benign by multiple in silico algorithms, and/or has population frequency not consistent with disease.

NM_003978.5(PSTPIP1):c.839-12dup

Gene: PSTPIP1 (proline-serine-threonine phosphatase interacting protein 1; plus strand). Cytogenetic location: 15q24.3.
Variant type: Duplication.
Coding change: c.839-12dup on transcript NM_003978.5 (MANE Select); 12 bases into the intron before coding-DNA position 839, one base duplicated (T; older notation c.839-12dupT).
Molecular consequence: intron variant.
Genome position (GRCh38, 1-based): chr15:77,032,850, T duplicated; the last of 2 consecutive T bases (chr15:77,032,849-77,032,850); duplicating either gives the same sequence. VCF-style (leftmost placement, unchanged base first): chr15-77032848-C-CT. GRCh37 (hg19) VCF-style: chr15-77325189-C-CT.
Other names: c.839-12dupT (NM_003978.3); c.839-12dup (LRG_172t1); c.1034-12dup (NM_001321137.1); c.812-12dup (NM_001321136.2); c.872+422dup (NM_001321135.2).
Identifiers: ClinVar variation 509066 (VCV000509066.9), dbSNP rs759640462, ClinGen allele CA7676048.